The following is an entry in ClinVar:

NM_013339.4(ALG6):c.678G>T (p.Lys226Asn)

Gene: ALG6 (ALG6 alpha-1,3-glucosyltransferase; plus strand). Cytogenetic location: 1p31.3.
Variant type: single nucleotide variant.
Coding change: c.678G>T on transcript NM_013339.4 (MANE Select); coding-DNA position 678, G replaced by T.
Protein change: p.Lys226Asn; replaces lysine 226 with asparagine.
Molecular consequence: missense variant.
Genome position (GRCh38, 1-based): chr1:63,411,329, G>T. VCF-style: chr1-63411329-G-T. GRCh37 (hg19) VCF-style: chr1-63877000-G-T.
Other names: p.Lys226Asn; c.678G>T, p.Lys226Asn (LRG_1260t1); short protein forms K226N.
Identifiers: ClinVar variation 380528 (VCV000380528.18), dbSNP rs35604168, ClinGen allele CA888216.

ClinVar aggregate classification (germline): Benign. Review status: criteria provided, multiple submitters, no conflicts (2 of 4 stars). 6 submissions from 6 submitters: Benign (5). 1 of the submissions does not count toward it. Last evaluated 2026-02-01.

Conditions:
ALG6-congenital disorder of glycosylation 1C (CDG1C). Also called: CDG Ic; CARBOHYDRATE-DEFICIENT GLYCOPROTEIN SYNDROME, TYPE I, WITH DEFICIENT GLYCOSYLATION OF DOLICHOL-LINKED OLIGOSACCHARIDE; CARBOHYDRATE-DEFICIENT GLYCOPROTEIN SYNDROME, TYPE V; Congenital disorder of glycosylation type 1C; Congenital disorder of glycosylation, type Ic. Identifiers: Orphanet 79320, MedGen C2930997, MONDO:0011291, OMIM 603147.

Allele frequency attached by ClinVar (database versions not stated): gnomAD exomes 0.00133 and 0.00355; ExAC 0.00450; gnomAD 0.01377 and 0.01480; 1000 Genomes Project 0.01398; TOPMed 0.01592; ESP Exome Variant Server 0.01654; 1000 Genomes Project 30x 0.01718.
gnomAD v4.1: 4,136 of 1,613,270 alleles (0.26%); highest among the groups gnomAD compares: African/African-American, 4.9%; 67 homozygotes.

Submissions (6):

Labcorp Genetics (formerly Invitae), Labcorp
Classification: Benign for ALG6-congenital disorder of glycosylation 1C. Last evaluated: 2026-02-01. Review status: criteria provided, single submitter. Criteria: Invitae Variant Classification Sherloc (09022015). Collection method: clinical testing. Allele origin: germline.

Mayo Clinic Laboratories, Mayo Clinic
Classification: Benign. Last evaluated: 2025-02-20. Review status: criteria provided, single submitter. Criteria: ACMG Guidelines, 2015. Collection method: clinical testing. Allele origin: germline. Observed: 4 variant alleles.

Illumina Laboratory Services, Illumina
Classification: Benign for ALG6-congenital disorder of glycosylation 1C. Last evaluated: 2018-01-13. Review status: criteria provided, single submitter. Criteria: ICSL Variant Classification Criteria 13 December 2019. Collection method: clinical testing. Allele origin: germline.
Comment: This variant was observed in the ICSL laboratory as part of a predisposition screen in an ostensibly healthy population. It had not been previously curated by ICSL or reported in the Human Gene Mutation Database (HGMD: prior to June 1st, 2018), and was therefore a candidate for classification through an automated scoring system. Utilizing variant allele frequency, disease prevalence and penetrance estimates, and inheritance mode, an automated score was calculated to assess if this variant is too frequent to cause the disease. Based on the score and internal cut-off values, a variant classified as benign is not then subjected to further curation. The score for this variant resulted in a classification of benign for this disease.

GeneDx
Classification: Benign. Last evaluated: 2016-03-14. Review status: criteria provided, single submitter. Criteria: GeneDx Variant Classification (06012015). Collection method: clinical testing. Allele origin: germline. Affected: yes.
Comment: This variant is considered likely benign or benign based on one or more of the following criteria: it is a conservative change, it occurs at a poorly conserved position in the protein, it is predicted to be benign by multiple in silico algorithms, and/or has population frequency not consistent with disease.

Breakthrough Genomics
Classification: Benign. Review status: criteria provided, single submitter. Criteria: ACMG Guidelines, 2015. Collection method: not provided. Allele origin: germline. Inheritance: Autosomal recessive inheritance. Affected: yes.

Natera, Inc.
Classification: Benign for Congenital disorder of glycosylation type 1c. Last evaluated: 2020-09-16. Review status: no assertion criteria provided. Collection method: clinical testing. Allele origin: germline. Not counted in ClinVar's aggregate classification.